The following is an entry in ClinVar:

ClinVar aggregate classification (germline): Likely benign (1 of 4 stars; one submission).

Conditions:
Breast-ovarian cancer, familial, susceptibility to, 5 (BROVCA5). Identifiers: MedGen C5830615, MONDO:0957530, OMIM 620442.

Submission:

Dasa
Classification: Likely benign for Breast-ovarian cancer, familial, susceptibility to, 5. Last evaluated: 2024-11-25. Review status: criteria provided, single submitter. Criteria: DASA Assertion Criteria. Collection method: clinical testing. Allele origin: germline.
Comment: NM_024675.4(PALB2):c.108+11C>G is an intronic variant. The variant context is inconsistent with a known disease-causing mechanism. Computational prediction algorithms are consistent with a benign effect. Therefore, based on the currently available evidence, this variant is classified as likely benign.

NM_024675.4(PALB2):c.108+11C>G

Gene: PALB2 (partner and localizer of BRCA2; minus strand). Cytogenetic location: 16p12.2.
Variant type: single nucleotide variant.
Coding change: c.108+11C>G on transcript NM_024675.4 (MANE Select); 11 bases into the intron after coding-DNA position 108, C replaced by G.
Molecular consequence: intron variant.
Genome position (GRCh38, 1-based): chr16:23,638,059, G>C on the plus strand (C>G on the coding strand, the complement: PALB2 is on the minus strand). VCF-style: chr16-23638059-G-C. GRCh37 (hg19) VCF-style: chr16-23649380-G-C.
Other names: c.-778+11C>G (NM_001407310.1, NM_001407304.1, NM_001407308.1 and 5 more transcripts); c.48+3051C>G (NM_001407314.1); c.-105+3051C>G (NM_001407313.1, NM_001407312.1); c.49-107C>G (NM_001407296.1); c.108+11C>G (NM_001407297.1, NM_001407302.1, NM_001407298.1 and 3 more transcripts).
Identifiers: ClinVar variation 5042656 (VCV005042656.1).